The following is an entry in ClinVar:

NM_138295.5(PKD1L1):c.3896+5del

Gene: PKD1L1 (polycystin 1 like 1, transient receptor potential channel interacting; minus strand). Cytogenetic location: 7p12.3.
Variant type: Deletion.
Coding change: c.3896+5del on transcript NM_138295.5 (MANE Select); 5 bases into the intron after coding-DNA position 3896, one base deleted (G; older notation c.3896+5delG).
Molecular consequence: intron variant.
Genome position (GRCh38, 1-based): chr7:47,873,894, C deleted on the plus strand (G on the coding strand, the reverse complement: PKD1L1 is on the minus strand). VCF-style (leftmost placement, unchanged base first): chr7-47873893-AC-A. GRCh37 (hg19) VCF-style: chr7-47913491-AC-A.
Other names: c.3896+5delG (NM_138295.3).
Identifiers: ClinVar variation 4896016 (VCV004896016.2).
Genomic context (GRCh38, chr7:47,873,893, plus strand): 5'-GGAGAGCCAACTCTGGAAGAAATACAAATAATGGCTAGGATGTCTGTGTGGCATTGTGTT[AC>A]TCACAGGTCCTCGCCCAGACAGTCATTTCCATGGTAGCGGGGCAGCACAGTCACCACCAC-3'

ClinVar aggregate classification (germline): Conflicting classifications of pathogenicity. Review status: criteria provided, conflicting classifications (1 of 4 stars). 2 submissions from 2 submitters: Uncertain significance (1); Likely benign (1). Last evaluated 2025-03-19.

Conditions:
PKD1L1-related disorder. Also called: PKD1L1-related condition.

Submissions (2):

PreventionGenetics, part of Exact Sciences
Classification: Likely benign for PKD1L1-related condition. Last evaluated: 2025-03-19. Review status: criteria provided, single submitter. Criteria: ACMG Guidelines, 2015. Collection method: clinical testing. Allele origin: germline.
Comment: This variant is classified as likely benign based on ACMG/AMP sequence variant interpretation guidelines (Richards et al. 2015 PMID: 25741868, with internal and published modifications).

Blueprint Genetics
Classification: Uncertain significance. Last evaluated: 2021-08-27. Review status: criteria provided, single submitter. Criteria: ACMG Guidelines, 2015. Collection method: clinical testing. Allele origin: germline.